The following is an entry in ClinVar:

NM_007294.4(BRCA1):c.5127A>T (p.Gly1709=)

Gene: BRCA1 (BRCA1 DNA repair associated; minus strand). Cytogenetic location: 17q21.31.
Variant type: single nucleotide variant.
Coding change: c.5127A>T on transcript NM_007294.4 (MANE Select); coding-DNA position 5127, A replaced by T.
Protein change: p.Gly1709=; no amino-acid change (glycine 1709 retained).
Molecular consequence: synonymous variant. On other transcripts: intron variant (2).
Genome position (GRCh38, 1-based): chr17:43,063,899, T>A on the plus strand (A>T on the coding strand, the complement: BRCA1 is on the minus strand). VCF-style: chr17-43063899-T-A. GRCh37 (hg19) VCF-style: chr17-41215916-T-A.
Other names: c.4914A>T, p.Gly1638= (NM_001407571.1, NM_001407894.1, NM_001407895.1 and 12 more transcripts); c.5193A>T, p.Gly1731= (NM_001407581.1, NM_001407582.1); c.5190A>T, p.Gly1730= (NM_001407583.1, NM_001407585.1, NM_001407587.1 and 1 more transcripts); c.5187A>T, p.Gly1729= (NM_001407590.1, NM_001407591.1); c.5127A>T, p.Gly1709= (NM_001407593.1, NM_001407594.1, NM_001407596.1 and 7 more transcripts); c.5124A>T, p.Gly1708= (NM_001407610.1, NM_001407611.1, NM_001407612.1 and 17 more transcripts); c.5121A>T, p.Gly1707= (NM_001407627.1, NM_001407628.1, NM_001407629.1 and 14 more transcripts); c.5118A>T, p.Gly1706= (NM_001407644.1, NM_001407645.1); and 73 more.
Identifiers: ClinVar variation 868691 (VCV000868691.3), dbSNP rs2051916034, ClinGen allele CA500146172.

Conditions:
Breast-ovarian cancer, familial, susceptibility to, 1 (BROVCA1). Also called: BRCA1 Hereditary Breast and Ovarian Cancer; OVARIAN CANCER, SUSCEPTIBILITY TO. Identifiers: Orphanet 145, MedGen C2676676, MONDO:0011450, OMIM 604370. Disease mechanism: loss of function.

Submission:

Brotman Baty Institute, University of Washington
No classification provided (evidence only). Condition: Breast-ovarian cancer, familial 1. Review status: no classification provided. Collection method: in vitro. Allele origin: not applicable. Functional consequence: functionally_normal.
ClinVar note: "not provided" was previously submitted as the classification for the variant. However, the classification appeared to be based only on an observation of functional data so it was converted to no classification on 2025-07-30.